The following is an entry in ClinVar:

NM_181458.4(PAX3):c.591A>G (p.Ser197=)

Gene: PAX3 (paired box 3; minus strand). Cytogenetic location: 2q36.1.
Variant type: single nucleotide variant.
Coding change: c.591A>G on transcript NM_181458.4 (MANE Select); coding-DNA position 591, A replaced by G.
Protein change: p.Ser197=; no amino-acid change (serine 197 retained).
Molecular consequence: synonymous variant.
Genome position (GRCh38, 1-based): chr2:222,232,279, T>C on the plus strand (A>G on the coding strand, the complement: PAX3 is on the minus strand). VCF-style: chr2-222232279-T-C. GRCh37 (hg19) VCF-style: chr2-223096998-T-C.
Other names: c.588A>G, p.Ser196= (NM_001127366.3); c.591A>G, p.Ser197= (NM_181457.4, NM_181459.4, NM_181460.4 and 1 more transcripts).
Identifiers: ClinVar variation 4985419 (VCV004985419.1).

ClinVar aggregate classification (germline): Likely benign (1 of 4 stars; one submission).

Conditions:
PAX3-related disorder. Also called: PAX3-related condition.

gnomAD v4.1: 7 of 1,613,548 alleles (0.00043%); highest among the groups gnomAD compares: African/African-American, 0.0067%; no homozygotes.

Submission:

PreventionGenetics, part of Exact Sciences
Classification: Likely benign for PAX3-related condition. Last evaluated: 2025-10-21. Review status: criteria provided, single submitter. Criteria: ACMG Guidelines, 2015. Collection method: clinical testing. Allele origin: germline.
Comment: This variant is classified as likely benign based on ACMG/AMP sequence variant interpretation guidelines (Richards et al. 2015 PMID: 25741868, with internal and published modifications).